The following is an entry in ClinVar:

ClinVar aggregate classification (germline): Benign. Review status: criteria provided, multiple submitters, no conflicts (2 of 4 stars). 4 submissions from 4 submitters: Benign (3). 1 of the submissions does not count toward it. Last evaluated 2026-09-01.

Conditions:
BPTF-related disorder. Also called: BPTF-related condition.
Neurodevelopmental disorder with dysmorphic facies and distal limb anomalies. Identifiers: Orphanet 686482, MedGen C4540327, MONDO:0060596, OMIM 617755.

Submissions (4):

CeGaT Center for Human Genetics Tuebingen
Classification: Benign. Last evaluated: 2026-09-01. Review status: criteria provided, single submitter. Criteria: CeGaT Center For Human Genetics Tuebingen Variant Classification Criteria Version 2. Collection method: clinical testing. Allele origin: germline. Affected: yes. Observed: 33 variant alleles.
Comment: BPTF: PM4:Supporting, BS1, BS2

Labcorp Genetics (formerly Invitae), Labcorp
Classification: Benign. Last evaluated: 2025-12-16. Review status: criteria provided, single submitter. Criteria: Invitae Variant Classification Sherloc (09022015). Collection method: clinical testing. Allele origin: germline.

Victorian Clinical Genetics Services, Murdoch Childrens Research Institute
Classification: Benign for Neurodevelopmental disorder with dysmorphic facies and distal limb anomalies. Last evaluated: 2022-09-02. Review status: criteria provided, single submitter. Criteria: ACMG Guidelines, 2015. Collection method: clinical testing. Allele origin: germline. Inheritance: Autosomal dominant inheritance.
Comment: A heterozygous in-frame deletion variant was identified, NM_004459.6(BPTF):c.554_556del in exon 1 of 30 of the BPTF gene. The variant is predicted to result in an in-frame deletion of a single amino acid at position 185 of the protein NP_004450.3(BPTF):p.(Asp185del). The aspartic acid at this position has very high conservation (100 vertebrates, UCSC), but is not situated in a known functional domain. The variant is present in the gnomAD population database at a frequency of 0.7% (2003 heterozygotes, 18 homozygotes). It has not been previously reported in clinical cases. Based on information available at the time of curation, this variant has been classified as BENIGN.

PreventionGenetics, part of Exact Sciences
Classification: Benign for BPTF-related condition. Last evaluated: 2019-11-26. Review status: no assertion criteria provided. Collection method: clinical testing. Allele origin: germline. Not counted in ClinVar's aggregate classification.
Comment: This variant is classified as benign based on ACMG/AMP sequence variant interpretation guidelines (Richards et al. 2015 PMID: 25741868, with internal and published modifications).

NM_182641.4(BPTF):c.542ACG[4] (p.Asp185del)

Genes: BPTF (bromodomain PHD finger transcription factor; plus strand), LOC130061496 (ATAC-STARR-seq lymphoblastoid active region 12632; plus strand). Cytogenetic location: 17q24.2.
Variant type: Microsatellite.
Coding change: c.542ACG[4] on transcript NM_182641.4 (MANE Select); four copies in a row of the 3-base unit ACG starting at c.542; the reference has five copies in a row; one copy, 3 bases deleted.
Protein change: p.Asp185del; deletes aspartic acid 185.
Molecular consequence: inframe deletion.
Genome position (GRCh38, 1-based): chr17:67,826,278-67,826,280, ACG deleted; deleting any 3 consecutive bases within chr17:67,826,265-67,826,280 gives the same sequence; the position shown is the placement nearest the transcript's 3' end. VCF-style (leftmost placement, unchanged base first): chr17-67826264-AGAC-A. GRCh37 (hg19) VCF-style: chr17-65822380-AGAC-A.
Other names: c.542ACG[4], p.Asp185del (NM_004459.7); c.554_556delACG (NM_182641.3); short protein forms D185del.
Identifiers: ClinVar variation 1806224 (VCV001806224.30), dbSNP rs554343942, ClinGen allele CA8725004.